The following is an entry in ClinVar:

NM_001077365.2(POMT1):c.529C>T (p.Gln177Ter)

Gene: POMT1 (protein O-mannosyltransferase 1; plus strand). Cytogenetic location: 9q34.13.
Variant type: single nucleotide variant.
Coding change: c.529C>T on transcript NM_001077365.2 (MANE Select); coding-DNA position 529, C replaced by T.
Protein change: p.Gln177Ter; replaces glutamine 177 with a stop codon.
Molecular consequence: nonsense. On other transcripts: non-coding transcript variant (8).
Genome position (GRCh38, 1-based): chr9:131,509,012, C>T. VCF-style: chr9-131509012-C-T. GRCh37 (hg19) VCF-style: chr9-134384399-C-T.
Other names: c.367C>T, p.Gln123Ter (NM_001077366.2, NM_001353194.2, NM_001353197.2 and 3 more transcripts); c.529C>T, p.Gln177Ter (NM_001136113.2, NM_001353193.2, NM_001374690.1 and 1 more transcripts); c.178C>T, p.Gln60Ter (NM_001136114.2, NM_001353195.2, NM_001353199.2 and 2 more transcripts); c.439C>T, p.Gln147Ter (NM_001353196.2); c.73C>T, p.Gln25Ter (NM_001353200.2, NM_001374695.1); c.-608C>T (NM_001411024.1); short protein forms Q147*, Q177*, Q60*, Q123*, Q25*.
Identifiers: ClinVar variation 1998900 (VCV001998900.4), dbSNP rs746247204, ClinGen allele CA375307086.

ClinVar aggregate classification (germline): Pathogenic (1 of 4 stars; one submission).

Conditions:
Walker-Warburg congenital muscular dystrophy. Also called: Muscular dystrophy-dystroglycanopathy, type A; Walker-Warburg syndrome. Identifiers: Orphanet 899, MedGen C0265221, MONDO:0000171.
Muscular dystrophy-dystroglycanopathy (congenital with impaired intellectual development), type B, 1. Also called: MUSCULAR DYSTROPHY, CONGENITAL, POMT1-RELATED; Muscular dystrophy-dystroglycanopathy (congenital with intellectual disability), type B1. Identifiers: MedGen C5436962, MONDO:0013159, OMIM 613155.
Autosomal recessive limb-girdle muscular dystrophy type 2K. Also called: MUSCULAR DYSTROPHY-DYSTROGLYCANOPATHY (LIMB-GIRDLE), TYPE C, 1; MUSCULAR DYSTROPHY, LIMB-GIRDLE, TYPE 2K. Identifiers: Orphanet 86812, MedGen C1836373, MONDO:0012248, OMIM 609308.

Submission:

Labcorp Genetics (formerly Invitae), Labcorp
Classification: Pathogenic for Muscular dystrophy-dystroglycanopathy (congenital with impaired intellectual development), type B, 1; Walker-Warburg congenital muscular dystrophy; Autosomal recessive limb-girdle muscular dystrophy type 2K. Last evaluated: 2022-05-25. Review status: criteria provided, single submitter. Criteria: Invitae Variant Classification Sherloc (09022015). Collection method: clinical testing. Allele origin: germline.
Comment: For these reasons, this variant has been classified as Pathogenic. This variant has not been reported in the literature in individuals affected with POMT1-related conditions. This variant is not present in population databases (gnomAD no frequency). This sequence change creates a premature translational stop signal (p.Gln177*) in the POMT1 gene. It is expected to result in an absent or disrupted protein product. Loss-of-function variants in POMT1 are known to be pathogenic (PMID: 12369018, 15637732, 16575835).

Literature cited by the submitters: PubMed 12369018; PubMed 15637732; PubMed 16575835.